The following is an entry in ClinVar:

NM_006361.6(HOXB13):c.684G>A (p.Leu228=)

Gene: HOXB13 (homeobox B13; minus strand). Cytogenetic location: 17q21.32.
Variant type: single nucleotide variant.
Coding change: c.684G>A on transcript NM_006361.6 (MANE Select); coding-DNA position 684, G replaced by A.
Protein change: p.Leu228=; no amino-acid change (leucine 228 retained).
Molecular consequence: synonymous variant.
Genome position (GRCh38, 1-based): chr17:48,726,961, C>T on the plus strand (G>A on the coding strand, the complement: HOXB13 is on the minus strand). VCF-style: chr17-48726961-C-T. GRCh37 (hg19) VCF-style: chr17-46804323-C-T.
Identifiers: ClinVar variation 3773048 (VCV003773048.1).
Genomic context (GRCh38, chr17:48,726,961, plus strand): 5'-CTTGCGCCTCTTGTCCTTGGTGATGAACTTGTTAGCCGCATACTCCCGCTCCAGCTCCCG[C>T]AACTGCCCCTTGCTGTACGGAATGCGTTTCTTGCGGCCGCGACGAAAGGCGCAGGCGTCA-3'
Protein context (NP_006352.2, residues 218-238): KKRIPYSKGQ[Leu228=]RELEREYAAN

ClinVar aggregate classification (germline): Benign (1 of 4 stars; one submission).

Conditions:
Prostate cancer, hereditary, 9 (HPC9). Identifiers: Orphanet 1331, MedGen C1970250, MONDO:0012597, OMIM 610997.

gnomAD v4.1: 1 of 1,613,648 alleles (0.000062%); highest among the groups gnomAD compares: Non-Finnish European, 0.000085%; no homozygotes.

Submission:

Myriad Genetics, Inc.
Classification: Benign for Prostate cancer, hereditary, 9. Last evaluated: 2024-10-30. Review status: criteria provided, single submitter. Criteria: Myriad Autosomal Dominant, Autosomal Recessive and X-Linked Classification Criteria (2023). Collection method: clinical testing. Allele origin: unknown.
Comment: This variant is considered benign. This variant is a silent/synonymous amino acid change and it is not expected to impact splicing.